The following is an entry in ClinVar:

ClinVar aggregate classification (germline): Uncertain significance (1 of 4 stars; one submission).

Conditions:
Joubert syndrome 21 (JBTS21). Identifiers: MedGen C3810212, MONDO:0014288, OMIM 615636.

Allele frequency attached by ClinVar (database versions not stated): gnomAD exomes below 0.00001.
gnomAD v4.1: 2 of 1,613,776 alleles (0.00012%); highest among the groups gnomAD compares: Non-Finnish European, 0.00017%; no homozygotes.

Submission:

Labcorp Genetics (formerly Invitae), Labcorp
Classification: Uncertain significance for Joubert syndrome 21. Last evaluated: 2022-07-05. Review status: criteria provided, single submitter. Criteria: Invitae Variant Classification Sherloc (09022015). Collection method: clinical testing. Allele origin: germline.
Comment: In summary, the available evidence is currently insufficient to determine the role of this variant in disease. Therefore, it has been classified as a Variant of Uncertain Significance. Algorithms developed to predict the effect of missense changes on protein structure and function output the following: SIFT: "Tolerated"; PolyPhen-2: "Benign"; Align-GVGD: "Class C0". The arginine amino acid residue is found in multiple mammalian species, which suggests that this missense change does not adversely affect protein function. ClinVar contains an entry for this variant (Variation ID: 1397512). This variant has not been reported in the literature in individuals affected with CSPP1-related conditions. This variant is not present in population databases (gnomAD no frequency). This sequence change replaces leucine, which is neutral and non-polar, with arginine, which is basic and polar, at codon 253 of the CSPP1 protein (p.Leu253Arg).

NM_001382391.1(CSPP1):c.731T>G (p.Leu244Arg)

Gene: CSPP1 (centrosome and spindle pole associated protein 1; plus strand). Cytogenetic location: 8q13.1.
Variant type: single nucleotide variant.
Coding change: c.731T>G on transcript NM_001382391.1 (MANE Select); coding-DNA position 731, T replaced by G.
Protein change: p.Leu244Arg; replaces leucine 244 with arginine.
Molecular consequence: missense variant. On other transcripts: 5 prime UTR variant (1).
Genome position (GRCh38, 1-based): chr8:67,095,540, T>G. VCF-style: chr8-67095540-T-G. GRCh37 (hg19) VCF-style: chr8-68007775-T-G.
Other names: c.-125T>G (NM_001291339.2); c.650T>G, p.Leu217Arg (NM_001363131.2, NM_001363133.2); c.731T>G, p.Leu244Arg (NM_001363132.2); c.839T>G, p.Leu280Arg (NM_001364869.1); c.758T>G, p.Leu253Arg (NM_001364870.1, NM_024790.7); short protein forms L244R, L253R, L217R, L280R.
Identifiers: ClinVar variation 1397512 (VCV001397512.8), dbSNP rs2129545496, ClinGen allele CA371191009.